The following is an entry in ClinVar:

ClinVar aggregate classification (germline): Conflicting classifications of pathogenicity. Review status: criteria provided, conflicting classifications (1 of 4 stars). 5 submissions from 5 submitters: Uncertain significance (2); Benign (1); Likely benign (1). 1 of the submissions does not count toward it. Last evaluated 2026-07-01.

Conditions:
ANK3-related disorder. Also called: ANK3-related condition.
Intellectual developmental disorder, autosomal recessive 37. Also called: Intellectual disability-hypotonia-spasticity-sleep disorder syndrome. Identifiers: Orphanet 356996, MedGen C3809672, MONDO:0014210, OMIM 615493.

Allele frequency attached by ClinVar (database versions not stated): 1000 Genomes Project 30x 0.00125; gnomAD 0.00126 and 0.00135; TOPMed 0.00130; gnomAD exomes 0.00139 and 0.00233; 1000 Genomes Project 0.00140; ExAC 0.00143; ESP Exome Variant Server 0.00246.
gnomAD v4.1: 3,622 of 1,613,816 alleles (0.22%); highest among the groups gnomAD compares: Non-Finnish European, 0.27%; 6 homozygotes.

Submissions (5):

CeGaT Center for Human Genetics Tuebingen
Classification: Likely benign. Last evaluated: 2026-07-01. Review status: criteria provided, single submitter. Criteria: CeGaT Center For Human Genetics Tuebingen Variant Classification Criteria Version 2. Collection method: clinical testing. Allele origin: germline. Affected: yes. Observed: 11 variant alleles.
Comment: ANK3: BS2

Labcorp Genetics (formerly Invitae), Labcorp
Classification: Benign. Last evaluated: 2026-01-24. Review status: criteria provided, single submitter. Criteria: Invitae Variant Classification Sherloc (09022015). Collection method: clinical testing. Allele origin: germline.

Fulgent Genetics
Classification: Uncertain significance for Intellectual developmental disorder, autosomal recessive 37. Last evaluated: 2018-10-31. Review status: criteria provided, single submitter. Criteria: ACMG Guidelines, 2015. Collection method: clinical testing. Allele origin: unknown.

Genetic Services Laboratory, University of Chicago
Classification: Uncertain significance. Last evaluated: 2015-01-23. Review status: criteria provided, single submitter. Criteria: ACMG Guidelines, 2015. Collection method: clinical testing. Allele origin: germline.

PreventionGenetics, part of Exact Sciences
Classification: Likely benign for ANK3-related condition. Last evaluated: 2022-12-21. Review status: no assertion criteria provided. Collection method: clinical testing. Allele origin: germline. Not counted in ClinVar's aggregate classification.
Comment: This variant is classified as likely benign based on ACMG/AMP sequence variant interpretation guidelines (Richards et al. 2015 PMID: 25741868, with internal and published modifications).

NM_020987.5(ANK3):c.8534G>A (p.Gly2845Glu)

Gene: ANK3 (ankyrin 3; minus strand). Cytogenetic location: 10q21.2.
Variant type: single nucleotide variant.
Coding change: c.8534G>A on transcript NM_020987.5 (MANE Select); coding-DNA position 8534, G replaced by A.
Protein change: p.Gly2845Glu; replaces glycine 2845 with glutamic acid.
Molecular consequence: missense variant. On other transcripts: intron variant (4).
Genome position (GRCh38, 1-based): chr10:60,072,347, C>T on the plus strand (G>A on the coding strand, the complement: ANK3 is on the minus strand). VCF-style: chr10-60072347-C-T. GRCh37 (hg19) VCF-style: chr10-61832105-C-T.
Other names: c.4388-4338G>A (NM_001204403.2); c.4409-4338G>A (NM_001204404.2); c.4406-4338G>A (NM_001320874.2); c.1808-4338G>A (NM_001149.4); c.8534G>A (NM_020987.4); short protein forms G2845E.
Identifiers: ClinVar variation 210176 (VCV000210176.39), dbSNP rs139022925, ClinGen allele CA209460.
Genomic context (GRCh38, chr10:60,072,347, plus strand): 5'-GACTTATTGTTAGTGGCTCCCGAACTCTCCCATGTTCTAAAGACCTTTTTGTCCCATGGT[C>T]CCCTAGTTGCTAAATCTGAGGTTATATGACATGCCAAGTCTTTAGCCTGCTGCTCAGAAA-3'
Protein context (NP_066267.2, residues 2835-2855): CHITSDLATR[Gly2845Glu]PWDKKVFRTW